The following is an entry in ClinVar:

ClinVar aggregate classification (germline): Uncertain significance (1 of 4 stars; one submission).

Allele frequency attached by ClinVar (database versions not stated): gnomAD exomes 0.00001.

Submission:

Labcorp Genetics (formerly Invitae), Labcorp
Classification: Uncertain significance. Last evaluated: 2022-07-14. Review status: criteria provided, single submitter. Criteria: Invitae Variant Classification Sherloc (09022015). Collection method: clinical testing. Allele origin: germline.
Comment: This sequence change replaces arginine, which is basic and polar, with cysteine, which is neutral and slightly polar, at codon 7 of the IRF9 protein (p.Arg7Cys). This variant is present in population databases (no rsID available, gnomAD 0.01%). This variant has not been reported in the literature in individuals affected with IRF9-related conditions. Algorithms developed to predict the effect of missense changes on protein structure and function are either unavailable or do not agree on the potential impact of this missense change (SIFT: "Deleterious"; PolyPhen-2: "Probably Damaging"; Align-GVGD: "Class C0"). In summary, the available evidence is currently insufficient to determine the role of this variant in disease. Therefore, it has been classified as a Variant of Uncertain Significance.

NM_006084.5(IRF9):c.19C>T (p.Arg7Cys)

Gene: IRF9 (interferon regulatory factor 9; plus strand). Cytogenetic location: 14q12.
Variant type: single nucleotide variant.
Coding change: c.19C>T on transcript NM_006084.5 (MANE Select); coding-DNA position 19, C replaced by T.
Protein change: p.Arg7Cys; replaces arginine 7 with cysteine.
Molecular consequence: missense variant.
Genome position (GRCh38, 1-based): chr14:24,162,163, C>T. VCF-style: chr14-24162163-C-T. GRCh37 (hg19) VCF-style: chr14-24631372-C-T.
Other names: c.19C>T, p.Arg7Cys (NM_001385400.1, NM_001385401.1, NM_001385402.1); short protein forms R7C.
Identifiers: ClinVar variation 1986673 (VCV001986673.4), dbSNP rs1447858243, ClinGen allele CA389198796.